The following is an entry in ClinVar:

NM_001291746.2(REL):c.923-142A>G

Gene: REL (REL proto-oncogene, NF-kB subunit; plus strand). Cytogenetic location: 2p16.1.
Variant type: single nucleotide variant.
Coding change: c.923-142A>G on transcript NM_001291746.2 (MANE Select); 142 bases into the intron before coding-DNA position 923, A replaced by G.
Molecular consequence: intron variant. On other transcripts: synonymous variant (1).
Genome position (GRCh38, 1-based): chr2:60,920,432, A>G. VCF-style: chr2-60920432-A-G. GRCh37 (hg19) VCF-style: chr2-61147567-A-G.
Other names: c.972A>G, p.Thr324= (NM_002908.4).
Identifiers: ClinVar variation 2039416 (VCV002039416.29), dbSNP rs61748091, ClinGen allele CA1672364.

ClinVar aggregate classification (germline): Benign/Likely benign. Review status: criteria provided, multiple submitters, no conflicts (2 of 4 stars). 3 submissions from 3 submitters: Benign (1); Likely benign (2). Last evaluated 2026-01-28.

Allele frequency attached by ClinVar (database versions not stated): 1000 Genomes Project 0.00060; 1000 Genomes Project 30x 0.00078; gnomAD 0.00254; TOPMed 0.00259; gnomAD exomes 0.00297; ExAC 0.00351.
gnomAD v4.1: 2,010 of 698,382 alleles (0.29%); highest among the groups gnomAD compares: Non-Finnish European, 0.44%; 6 homozygotes.

Submissions (3):

Labcorp Genetics (formerly Invitae), Labcorp
Classification: Benign. Last evaluated: 2026-01-28. Review status: criteria provided, single submitter. Criteria: Invitae Variant Classification Sherloc (09022015). Collection method: clinical testing. Allele origin: germline.

Blueprint Genetics
Classification: Likely benign. Last evaluated: 2024-11-26. Review status: criteria provided, single submitter. Criteria: ACMG Guidelines, 2015. Collection method: clinical testing. Allele origin: germline.

CeGaT Center for Human Genetics Tuebingen
Classification: Likely benign. Last evaluated: 2022-10-01. Review status: criteria provided, single submitter. Criteria: CeGaT Center For Human Genetics Tuebingen Variant Classification Criteria Version 2. Collection method: clinical testing. Allele origin: germline. Affected: yes. Observed: 2 variant alleles.
Comment: REL: BP4, BP7